The following is an entry in ClinVar:

ClinVar aggregate classification (germline): Pathogenic. Review status: reviewed by expert panel (3 of 4 stars). 7 submissions from 7 submitters: Pathogenic (1). 6 of the submissions do not count toward it. Last evaluated 2016-09-08.

Conditions:
Hereditary breast ovarian cancer syndrome. Also called: Hereditary breast and ovarian cancer syndrome; Hereditary breast and ovarian cancer; Hereditary breast and ovarian cancer syndrome (HBOC); Breast and ovarian cancer; Hereditary breast and/or ovarian cancer syndrome; BRCA1- and BRCA2-Associated Hereditary Breast and Ovarian Cancer. Identifiers: Orphanet 145, MedGen C0677776, MeSH D061325, MONDO:0003582. Disease mechanism: loss of function.
Familial cancer of breast. Also called: BREAST CANCER, FAMILIAL; Hereditary breast cancer; hereditary breast carcinoma. Identifiers: Orphanet 227535, MedGen C0346153, MONDO:0016419, OMIM 114480. Disease mechanism: loss of function.
Breast-ovarian cancer, familial, susceptibility to, 2 (BROVCA2). Also called: BRCA2 Hereditary Breast and Ovarian Cancer. Identifiers: Orphanet 145, MedGen C2675520, MONDO:0012933, OMIM 612555. Disease mechanism: loss of function.

Submissions (7):

Evidence-based Network for the Interpretation of Germline Mutant Alleles (ENIGMA)
Classification: Pathogenic for Breast-ovarian cancer, familial, susceptibility to, 2. Last evaluated: 2016-09-08. Review status: reviewed by expert panel. Criteria: ENIGMA BRCA1/2 Classification Criteria (2015). Collection method: curation. Allele origin: germline.
Comment: Variant allele predicted to encode a truncated non-functional protein.

Labcorp Genetics (formerly Invitae), Labcorp
Classification: Pathogenic for Hereditary breast ovarian cancer syndrome. Last evaluated: 2025-06-23. Review status: criteria provided, single submitter. Criteria: Invitae Variant Classification Sherloc (09022015). Collection method: clinical testing. Allele origin: germline. Not counted in ClinVar's aggregate classification.
Comment: This sequence change creates a premature translational stop signal (p.Gly2141Argfs*6) in the BRCA2 gene. It is expected to result in an absent or disrupted protein product. Loss-of-function variants in BRCA2 are known to be pathogenic (PMID: 20104584). This variant is not present in population databases (gnomAD no frequency). This premature translational stop signal has been observed in individual(s) with ovarian cancer (PMID: 17413421). This variant is also known as 6648insA. ClinVar contains an entry for this variant (Variation ID: 52090). For these reasons, this variant has been classified as Pathogenic.

Baylor Genetics
Classification: Pathogenic for Familial cancer of breast. Last evaluated: 2023-05-26. Review status: criteria provided, single submitter. Criteria: ACMG Guidelines, 2015. Collection method: clinical testing. Allele origin: unknown. Not counted in ClinVar's aggregate classification.

Consortium of Investigators of Modifiers of BRCA1/2 (CIMBA), c/o University of Cambridge
Classification: Pathogenic for Breast-ovarian cancer, familial, susceptibility to, 2. Last evaluated: 2015-10-02. Review status: criteria provided, single submitter. Criteria: CIMBA Mutation Classification guidelines May 2016. Collection method: clinical testing. Allele origin: germline. Not counted in ClinVar's aggregate classification.

Clinical Genetics DNA and cytogenetics Diagnostics Lab, Erasmus MC, Erasmus Medical Center
Classification: Pathogenic. Review status: no assertion criteria provided. Collection method: clinical testing. Allele origin: germline. Affected: yes. Study: VKGL Data-share Consensus. Not counted in ClinVar's aggregate classification.

Clinical Genetics Laboratory, Department of Pathology, Netherlands Cancer Institute
Classification: Pathogenic. Review status: no assertion criteria provided. Collection method: clinical testing. Allele origin: germline. Affected: yes. Study: VKGL Data-share Consensus. Not counted in ClinVar's aggregate classification.

Laboratory of Diagnostic Genome Analysis, Leiden University Medical Center (LUMC)
Classification: Pathogenic. Review status: no assertion criteria provided. Collection method: clinical testing. Allele origin: germline. Affected: yes. Study: VKGL Data-share Consensus. Not counted in ClinVar's aggregate classification.

Literature cited by the submitters: PubMed 20104584 (cited by Labcorp Genetics (formerly Invitae), Labcorp); PubMed 17413421 (cited by Labcorp Genetics (formerly Invitae), Labcorp).

NM_000059.4(BRCA2):c.6420_6421insA (p.Gly2141fs)

Gene: BRCA2 (BRCA2 DNA repair associated; plus strand). Cytogenetic location: 13q13.1.
Variant type: Insertion.
Coding change: c.6420_6421insA on transcript NM_000059.4 (MANE Select); coding-DNA positions 6420 to 6421, A inserted.
Protein change: p.Gly2141fs; shifts the reading frame from glycine 2141.
Molecular consequence: frameshift variant.
Genome position: GRCh38 VCF-style: chr13-32340775-T-TA. GRCh37 (hg19) VCF-style: chr13-32914912-T-TA.
Other names: short protein forms G2141fs.
Identifiers: ClinVar variation 52090 (VCV000052090.10), dbSNP rs397507852, ClinGen allele CA024012.
Genomic context (GRCh38, chr13:32,340,775, plus strand): 5'-AGAAATGGAAAAAACCTGCAGTAAAGAATTTAAATTATCAAATAACTTAAATGTTGAAGG[T>TA]GGTTCTTCAGAAAATAATCACTCTATTAAAGTTTCTCCATATCTCTCTCAATTTCAACAA-3'